The following is an entry in ClinVar:

ClinVar aggregate classification (germline): Likely benign. Review status: criteria provided, multiple submitters, no conflicts (2 of 4 stars). 7 submissions from 7 submitters: Likely benign (4). 3 of the submissions do not count toward it. Last evaluated 2026-01-04.

Conditions:
MYH7-related disorder. Also called: MYH7-related disorders; MYH7-related condition; MYH7-related disease.
Hypertrophic cardiomyopathy. Also called: HYPERTROPHIC MYOCARDIOPATHY. Identifiers: Orphanet 217569, MedGen C0007194, MeSH D002312, MONDO:0005045, HP:0001639.

Allele frequency attached by ClinVar (database versions not stated): gnomAD 0.00005 and 0.00006; gnomAD exomes 0.00005 and 0.00006; ExAC 0.00006; ESP Exome Variant Server 0.00008; TOPMed 0.00008.
gnomAD v4.1: 91 of 1,605,298 alleles (0.0057%); highest among the groups gnomAD compares: Middle Eastern, 0.016%; no homozygotes.

Submissions (7):

Labcorp Genetics (formerly Invitae), Labcorp
Classification: Likely benign for Hypertrophic cardiomyopathy. Last evaluated: 2026-01-04. Review status: criteria provided, single submitter. Criteria: Invitae Variant Classification Sherloc (09022015). Collection method: clinical testing. Allele origin: germline.

Blueprint Genetics
Classification: Likely benign. Last evaluated: 2023-09-29. Review status: criteria provided, single submitter. Criteria: ACMG Guidelines, 2015. Collection method: clinical testing. Allele origin: germline.

Genetic Services Laboratory, University of Chicago
Classification: Likely benign. Last evaluated: 2015-07-23. Review status: criteria provided, single submitter. Criteria: ACMG Guidelines, 2015. Collection method: clinical testing. Allele origin: germline.

Laboratory for Molecular Medicine, Mass General Brigham Personalized Medicine
Classification: Likely benign. Last evaluated: 2008-03-01. Review status: criteria provided, single submitter. Criteria: LMM Criteria. Collection method: clinical testing. Allele origin: germline. Observed: 2 variant alleles.

PreventionGenetics, part of Exact Sciences
Classification: Likely benign for MYH7-related condition. Last evaluated: 2020-01-27. Review status: no assertion criteria provided. Collection method: clinical testing. Allele origin: germline. Not counted in ClinVar's aggregate classification.
Comment: This variant is classified as likely benign based on ACMG/AMP sequence variant interpretation guidelines (Richards et al. 2015 PMID: 25741868, with internal and published modifications).

Clinical Genetics DNA and cytogenetics Diagnostics Lab, Erasmus MC, Erasmus Medical Center
Classification: Likely benign. Review status: no assertion criteria provided. Collection method: clinical testing. Allele origin: germline. Affected: yes. Study: VKGL Data-share Consensus. Not counted in ClinVar's aggregate classification.

Joint Genome Diagnostic Labs from Nijmegen and Maastricht, Radboudumc and MUMC+
Classification: Likely benign. Review status: no assertion criteria provided. Collection method: clinical testing. Allele origin: germline. Affected: yes. Study: VKGL Data-share Consensus. Not counted in ClinVar's aggregate classification.

NM_000257.4(MYH7):c.5559+8G>A

Gene: MYH7 (myosin heavy chain 7; minus strand). Cytogenetic location: 14q11.2.
Variant type: single nucleotide variant.
Coding change: c.5559+8G>A on transcript NM_000257.4 (MANE Select); 8 bases into the intron after coding-DNA position 5559, G replaced by A.
Molecular consequence: intron variant.
Genome position (GRCh38, 1-based): chr14:23,414,987, C>T on the plus strand (G>A on the coding strand, the complement: MYH7 is on the minus strand). VCF-style: chr14-23414987-C-T. GRCh37 (hg19) VCF-style: chr14-23884196-C-T.
Identifiers: ClinVar variation 43074 (VCV000043074.36), dbSNP rs377473156, ClinGen allele CA016240.
Genomic context (GRCh38, chr14:23,414,987, plus strand): 5'-TTCTCCTCAGCTGGTTGTCACTGTGGCTATGGTGCCAGGGCTCTGCCTGGAGTCACCGCC[C>T]GTCGCACCTGGTAGGTGAGCTCCTTGATGCGCCGCTCGCTCTTCCTCATGCCCTTCACCG-3'